The following is an entry in ClinVar:

NM_000135.4(FANCA):c.2472T>A (p.Cys824Ter)

Gene: FANCA (FA complementation group A; minus strand). Cytogenetic location: 16q24.3.
Variant type: single nucleotide variant.
Coding change: c.2472T>A on transcript NM_000135.4 (MANE Select); coding-DNA position 2472, T replaced by A.
Protein change: p.Cys824Ter; replaces cysteine 824 with a stop codon.
Molecular consequence: nonsense.
Genome position (GRCh38, 1-based): chr16:89,769,869, A>T on the plus strand (T>A on the coding strand, the complement: FANCA is on the minus strand). VCF-style: chr16-89769869-A-T. GRCh37 (hg19) VCF-style: chr16-89836277-A-T.
Other names: c.2472T>A, p.Cys824Ter (NM_001286167.3); short protein forms C824*.
Identifiers: ClinVar variation 983790 (VCV000983790.3), dbSNP rs2039261844, ClinGen allele CA397443177.

ClinVar aggregate classification (germline): Likely pathogenic (1 of 4 stars; one submission).

Conditions:
Fanconi anemia complementation group A (FANCA). Also called: Fanconi anemia, group A; FANCA-Related Fanconi Anemia. Identifiers: Orphanet 84, MedGen C3469521, MONDO:0009215, OMIM 227650.

Submission:

Myriad Genetics, Inc.
Classification: Likely pathogenic for Fanconi anemia complementation group A. Last evaluated: 2020-03-05. Review status: criteria provided, single submitter. Criteria: Myriad Women's Health Autosomal Recessive and X-Linked Classification Criteria (2019). Collection method: clinical testing. Allele origin: unknown.
Comment: NM_000135.2(FANCA):c.2472T>A(C824*) is expected to be pathogenic in the context of Fanconi anemia complementation group A. This variant is predicted to lead to an abnormal or absent protein product due to the creation of a premature termination codon in FANCA, a gene where loss-of-function variants are known to be pathogenic. Please note: this variant was assessed in the context of healthy population screening.